The following is an entry in ClinVar:

NM_006015.6(ARID1A):c.6652A>T (p.Met2218Leu)

Gene: ARID1A (AT-rich interaction domain 1A; plus strand). Cytogenetic location: 1p36.11.
Variant type: single nucleotide variant.
Coding change: c.6652A>T on transcript NM_006015.6 (MANE Select); coding-DNA position 6652, A replaced by T.
Protein change: p.Met2218Leu; replaces methionine 2218 with leucine.
Molecular consequence: missense variant.
Genome position (GRCh38, 1-based): chr1:26,780,550, A>T. VCF-style: chr1-26780550-A-T. GRCh37 (hg19) VCF-style: chr1-27107041-A-T.
Other names: c.6001A>T, p.Met2001Leu (NM_139135.4); short protein forms M2001L, M2218L.
Identifiers: ClinVar variation 2113546 (VCV002113546.5), dbSNP rs760749276, ClinGen allele CA19818267.

ClinVar aggregate classification (germline): Conflicting classifications of pathogenicity. Review status: criteria provided, conflicting classifications (1 of 4 stars). 2 submissions from 2 submitters: Uncertain significance (1); Likely benign (1). Last evaluated 2022-10-24.

Conditions:
ARID1A-related disorder. Also called: ARID1A-related condition.

gnomAD v4.1: 4 of 1,614,144 alleles (0.00025%); highest among the groups gnomAD compares: Non-Finnish European, 0.00034%; no homozygotes.

Submissions (2):

PreventionGenetics, part of Exact Sciences
Classification: Uncertain significance for ARID1A-related condition. Last evaluated: 2022-10-24. Review status: criteria provided, single submitter. Criteria: ACMG Guidelines, 2015. Collection method: clinical testing. Allele origin: germline.
Comment: The ARID1A c.6652A>T variant is predicted to result in the amino acid substitution p.Met2218Leu. To our knowledge, this variant has not been reported in the literature. This variant is reported in 0.00088% of alleles in individuals of European (Non-Finnish) descent in gnomAD. At this time, the clinical significance of this variant is uncertain due to the absence of conclusive functional and genetic evidence.

Labcorp Genetics (formerly Invitae), Labcorp
Classification: Likely benign. Last evaluated: 2022-06-24. Review status: criteria provided, single submitter. Criteria: Invitae Variant Classification Sherloc (09022015). Collection method: clinical testing. Allele origin: germline.